The following is an entry in ClinVar:

NM_004100.5(EYA4):c.690G>C (p.Gln230His)

Gene: EYA4 (EYA transcriptional coactivator and phosphatase 4; plus strand). Cytogenetic location: 6q23.2.
Variant type: single nucleotide variant.
Coding change: c.690G>C on transcript NM_004100.5 (MANE Select); coding-DNA position 690, G replaced by C.
Protein change: p.Gln230His; replaces glutamine 230 with histidine.
Molecular consequence: missense variant.
Genome position (GRCh38, 1-based): chr6:133,462,730, G>C. VCF-style: chr6-133462730-G-C. GRCh37 (hg19) VCF-style: chr6-133783868-G-C.
Other names: c.528G>C, p.Gln176His (NM_001301012.2, NM_001370459.1); c.690G>C, p.Gln230His (NM_001301013.2, NM_172105.4); c.621G>C, p.Gln207His (NM_001370458.1, NM_172103.4); short protein forms Q207H, Q176H, Q230H.
Identifiers: ClinVar variation 2168204 (VCV002168204.4), dbSNP rs1794510019, ClinGen allele CA365699541.

ClinVar aggregate classification (germline): Uncertain significance (1 of 4 stars; one submission).

Conditions:
Dilated cardiomyopathy 1J (CMD1J). Also called: CARDIOMYOPATHY, DILATED, WITH SENSORINEURAL HEARING LOSS, AUTOSOMAL DOMINANT. Identifiers: Orphanet 217622, MedGen C1854368, MONDO:0011541, OMIM 605362.

Allele frequency attached by ClinVar (database versions not stated): gnomAD exomes below 0.00001; gnomAD 0.00001.
gnomAD v4.1: 3 of 1,613,752 alleles (0.00019%); highest among the groups gnomAD compares: African/African-American, 0.004%; no homozygotes.

Submission:

Labcorp Genetics (formerly Invitae), Labcorp
Classification: Uncertain significance for Dilated cardiomyopathy 1J. Last evaluated: 2022-04-17. Review status: criteria provided, single submitter. Criteria: Invitae Variant Classification Sherloc (09022015). Collection method: clinical testing. Allele origin: germline.
Comment: This sequence change replaces glutamine, which is neutral and polar, with histidine, which is basic and polar, at codon 230 of the EYA4 protein (p.Gln230His). This variant is not present in population databases (gnomAD no frequency). This variant has not been reported in the literature in individuals affected with EYA4-related conditions. Algorithms developed to predict the effect of missense changes on protein structure and function are either unavailable or do not agree on the potential impact of this missense change (SIFT: "Tolerated"; PolyPhen-2: "Probably Damaging"; Align-GVGD: "Class C0"). In summary, the available evidence is currently insufficient to determine the role of this variant in disease. Therefore, it has been classified as a Variant of Uncertain Significance.